The following is an entry in ClinVar:

NM_017739.4(POMGNT1):c.1373A>G (p.Tyr458Cys)

Genes: POMGNT1 (protein O-linked mannose N-acetylglucosaminyltransferase 1 (beta 1,2-); minus strand), TSPAN1 (tetraspanin 1; plus strand). Cytogenetic location: 1p34.1.
Variant type: single nucleotide variant.
Coding change: c.1373A>G on transcript NM_017739.4 (MANE Select); coding-DNA position 1373, A replaced by G.
Protein change: p.Tyr458Cys; replaces tyrosine 458 with cysteine.
Molecular consequence: missense variant.
Genome position (GRCh38, 1-based): chr1:46,192,348, T>C on the plus strand (A>G on the coding strand, the complement: POMGNT1 is on the minus strand). VCF-style: chr1-46192348-T-C. GRCh37 (hg19) VCF-style: chr1-46658020-T-C.
Other names: c.1373A>G, p.Tyr458Cys (NM_001243766.2, NM_001410783.1); c.1307A>G, p.Tyr436Cys (NM_001290129.3); c.944A>G, p.Tyr315Cys (NM_001290130.2); short protein forms Y436C, Y458C, Y315C.
Identifiers: ClinVar variation 2069827 (VCV002069827.2), dbSNP rs2525387258, ClinGen allele CA340175108.

ClinVar aggregate classification (germline): Uncertain significance (1 of 4 stars; one submission).

Conditions:
Autosomal recessive limb-girdle muscular dystrophy type 2O. Also called: Limb-Girdle Muscular Dystrophy Type 3C; MUSCULAR DYSTROPHY-DYSTROGLYCANOPATHY (LIMB-GIRDLE), TYPE C, 3; MUSCULAR DYSTROPHY-DYSTROGLYCANOPATHY, LIMB-GIRDLE, POMGNT1-RELATED. Identifiers: Orphanet 206564, MedGen C3150417, MONDO:0013161, OMIM 613157.
Muscular dystrophy-dystroglycanopathy (congenital with impaired intellectual development), type B, 3. Also called: Muscular dystrophy-dystroglycanopathy (congenital with intellectual disability), type B3; MUSCULAR DYSTROPHY, CONGENITAL, POMGNT1-RELATED. Identifiers: MedGen C3150412, MONDO:0013155, OMIM 613151.

Allele frequency attached by ClinVar (database versions not stated): gnomAD exomes below 0.00001.
gnomAD v4.1: 1 of 1,614,160 alleles (0.000062%); highest among the groups gnomAD compares: Non-Finnish European, 0.000085%; no homozygotes.

Submission:

Labcorp Genetics (formerly Invitae), Labcorp
Classification: Uncertain significance for Autosomal recessive limb-girdle muscular dystrophy type 2O; Muscular dystrophy-dystroglycanopathy (congenital with impaired intellectual development), type B, 3. Last evaluated: 2025-02-20. Review status: criteria provided, single submitter. Criteria: Invitae Variant Classification Sherloc (09022015). Collection method: clinical testing. Allele origin: germline.
Comment: This sequence change replaces tyrosine, which is neutral and polar, with cysteine, which is neutral and slightly polar, at codon 458 of the POMGNT1 protein (p.Tyr458Cys). This variant is not present in population databases (gnomAD no frequency). This missense change has been observed in individual(s) with muscle-eye-brain disease (internal data). ClinVar contains an entry for this variant (Variation ID: 2069827). Invitae Evidence Modeling of protein sequence and biophysical properties (such as structural, functional, and spatial information, amino acid conservation, physicochemical variation, residue mobility, and thermodynamic stability) has been performed for this missense variant. However, the output from this modeling did not meet the statistical confidence thresholds required to predict the impact of this variant on POMGNT1 protein function. In summary, the available evidence is currently insufficient to determine the role of this variant in disease. Therefore, it has been classified as a Variant of Uncertain Significance.